The following is an entry in ClinVar:

ClinVar aggregate classification (germline): Uncertain significance (1 of 4 stars; one submission).

Conditions:
Cardiovascular phenotype. Identifiers: MedGen CN230736.

Allele frequency attached by ClinVar (database versions not stated): gnomAD exomes below 0.00001; TOPMed below 0.00001; ExAC 0.00001; gnomAD 0.00001.
gnomAD v4.1: 2 of 1,613,894 alleles (0.00012%); highest among the groups gnomAD compares: Non-Finnish European, 0.00017%; no homozygotes.

Submission:

Ambry Genetics
Classification: Uncertain significance for Cardiovascular phenotype. Last evaluated: 2024-11-05. Review status: criteria provided, single submitter. Criteria: Ambry Variant Classification Scheme 2023. Collection method: clinical testing. Allele origin: germline.
Comment: The p.V3260A variant (also known as c.9779T>C), located in coding exon 26 of the APOB gene, results from a T to C substitution at nucleotide position 9779. The valine at codon 3260 is replaced by alanine, an amino acid with similar properties. This amino acid position is conserved. In addition, this alteration is predicted to be tolerated by in silico analysis. Based on the available evidence, the clinical significance of this variant remains unclear.

NM_000384.3(APOB):c.9779T>C (p.Val3260Ala)

Gene: APOB (apolipoprotein B; minus strand). Cytogenetic location: 2p24.1.
Variant type: single nucleotide variant.
Coding change: c.9779T>C on transcript NM_000384.3 (MANE Select); coding-DNA position 9779, T replaced by C.
Protein change: p.Val3260Ala; replaces valine 3260 with alanine.
Molecular consequence: missense variant.
Genome position (GRCh38, 1-based): chr2:21,007,089, A>G on the plus strand (T>C on the coding strand, the complement: APOB is on the minus strand). VCF-style: chr2-21007089-A-G. GRCh37 (hg19) VCF-style: chr2-21229961-A-G.
Other names: short protein forms V3260A.
Identifiers: ClinVar variation 3416365 (VCV003416365.1), dbSNP rs776808756.